The following is an entry in ClinVar:

NM_001041.4(SI):c.717T>A (p.Tyr239Ter)

Gene: SI (sucrase-isomaltase; minus strand). Cytogenetic location: 3q26.1.
Variant type: single nucleotide variant.
Coding change: c.717T>A on transcript NM_001041.4 (MANE Select); coding-DNA position 717, T replaced by A.
Protein change: p.Tyr239Ter; replaces tyrosine 239 with a stop codon.
Molecular consequence: nonsense.
Genome position (GRCh38, 1-based): chr3:165,065,351, A>T on the plus strand (T>A on the coding strand, the complement: SI is on the minus strand). VCF-style: chr3-165065351-A-T. GRCh37 (hg19) VCF-style: chr3-164783139-A-T.
Other names: short protein forms Y239*.
Identifiers: ClinVar variation 1451987 (VCV001451987.6), dbSNP rs753398539, ClinGen allele CA355032774.

ClinVar aggregate classification (germline): Pathogenic (1 of 4 stars; one submission).

Allele frequency attached by ClinVar (database versions not stated): gnomAD 0.00001; TOPMed 0.00001.
gnomAD v4.1: 4 of 1,595,694 alleles (0.00025%); highest among the groups gnomAD compares: Non-Finnish European, 0.00034%; no homozygotes.

Submission:

Labcorp Genetics (formerly Invitae), Labcorp
Classification: Pathogenic. Last evaluated: 2024-02-24. Review status: criteria provided, single submitter. Criteria: Invitae Variant Classification Sherloc (09022015). Collection method: clinical testing. Allele origin: germline.
Comment: This sequence change creates a premature translational stop signal (p.Tyr239*) in the SI gene. It is expected to result in an absent or disrupted protein product. Loss-of-function variants in SI are known to be pathogenic (PMID: 16329100, 23103650, 25452324). This variant is not present in population databases (gnomAD no frequency). This variant has not been reported in the literature in individuals affected with SI-related conditions. ClinVar contains an entry for this variant (Variation ID: 1451987). For these reasons, this variant has been classified as Pathogenic.

Literature cited by the submitters: PubMed 16329100; PubMed 23103650; PubMed 25452324.